The following is an entry in ClinVar:

NM_020821.3(VPS13C):c.4328A>G (p.Glu1443Gly)

Gene: VPS13C (vacuolar protein sorting 13 homolog C; minus strand). Cytogenetic location: 15q22.2.
Variant type: single nucleotide variant.
Coding change: c.4328A>G on transcript NM_020821.3 (MANE Select); coding-DNA position 4328, A replaced by G.
Protein change: p.Glu1443Gly; replaces glutamic acid 1443 with glycine.
Molecular consequence: missense variant.
Genome position (GRCh38, 1-based): chr15:61,951,952, T>C on the plus strand (A>G on the coding strand, the complement: VPS13C is on the minus strand). VCF-style: chr15-61951952-T-C. GRCh37 (hg19) VCF-style: chr15-62244151-T-C.
Other names: c.4328A>G, p.Glu1443Gly (NM_001018088.3); c.4199A>G, p.Glu1400Gly (NM_017684.5, NM_018080.4); short protein forms E1400G, E1443G.
Identifiers: ClinVar variation 1937308 (VCV001937308.5), dbSNP rs781222853, ClinGen allele CA7596129.

ClinVar aggregate classification (germline): Uncertain significance (1 of 4 stars; one submission).

Allele frequency attached by ClinVar (database versions not stated): gnomAD exomes below 0.00001; gnomAD 0.00001; TOPMed 0.00001; ExAC 0.00002.
gnomAD v4.1: 4 of 1,613,062 alleles (0.00025%); highest among the groups gnomAD compares: African/African-American, 0.004%; no homozygotes.

Submission:

Labcorp Genetics (formerly Invitae), Labcorp
Classification: Uncertain significance. Last evaluated: 2022-06-08. Review status: criteria provided, single submitter. Criteria: Invitae Variant Classification Sherloc (09022015). Collection method: clinical testing. Allele origin: germline.
Comment: Algorithms developed to predict the effect of missense changes on protein structure and function are either unavailable or do not agree on the potential impact of this missense change (SIFT: "Deleterious"; PolyPhen-2: "Benign"; Align-GVGD: "Class C0"). This variant has not been reported in the literature in individuals affected with VPS13C-related conditions. This variant is present in population databases (rs781222853, gnomAD 0.007%). This sequence change replaces glutamic acid, which is acidic and polar, with glycine, which is neutral and non-polar, at codon 1443 of the VPS13C protein (p.Glu1443Gly). In summary, the available evidence is currently insufficient to determine the role of this variant in disease. Therefore, it has been classified as a Variant of Uncertain Significance.